The following is an entry in ClinVar:

ClinVar aggregate classification (germline): Uncertain significance (1 of 4 stars; one submission).

Conditions:
Marinesco-Sjögren syndrome (MSS). Also called: Marinesco-Sjogren Syndrome; Marinesco-SjÃ¶gren syndrome. Identifiers: Orphanet 559, MedGen C0024814, MONDO:0009567, OMIM 248800.

Allele frequency attached by ClinVar (database versions not stated): gnomAD exomes below 0.00001; TOPMed below 0.00001; ExAC 0.00001.
gnomAD v4.1: 2 of 1,611,216 alleles (0.00012%); highest among the groups gnomAD compares: Admixed American, 0.0033%; no homozygotes.

Submission:

Labcorp Genetics (formerly Invitae), Labcorp
Classification: Uncertain significance for Marinesco-Sjögren syndrome. Last evaluated: 2022-04-15. Review status: criteria provided, single submitter. Criteria: Invitae Variant Classification Sherloc (09022015). Collection method: clinical testing. Allele origin: germline.
Comment: In summary, the available evidence is currently insufficient to determine the role of this variant in disease. Therefore, it has been classified as a Variant of Uncertain Significance. Algorithms developed to predict the effect of missense changes on protein structure and function are either unavailable or do not agree on the potential impact of this missense change (SIFT: "Deleterious"; PolyPhen-2: "Possibly Damaging"; Align-GVGD: "Class C0"). This variant has not been reported in the literature in individuals affected with SIL1-related conditions. This variant is present in population databases (rs749914019, gnomAD 0.003%). This sequence change replaces leucine, which is neutral and non-polar, with proline, which is neutral and non-polar, at codon 20 of the SIL1 protein (p.Leu20Pro).

NM_022464.5(SIL1):c.59T>C (p.Leu20Pro)

Gene: SIL1 (SIL1 nucleotide exchange factor; minus strand). Cytogenetic location: 5q31.2.
Variant type: single nucleotide variant.
Coding change: c.59T>C on transcript NM_022464.5 (MANE Select); coding-DNA position 59, T replaced by C.
Protein change: p.Leu20Pro; replaces leucine 20 with proline.
Molecular consequence: missense variant.
Genome position (GRCh38, 1-based): chr5:139,127,785, A>G on the plus strand (T>C on the coding strand, the complement: SIL1 is on the minus strand). VCF-style: chr5-139127785-A-G. GRCh37 (hg19) VCF-style: chr5-138463474-A-G.
Other names: c.59T>C, p.Leu20Pro (NM_001037633.2); short protein forms L20P.
Identifiers: ClinVar variation 1914291 (VCV001914291.5), dbSNP rs749914019, ClinGen allele CA3432704.
Genomic context (GRCh38, chr5:139,127,785, plus strand): 5'-ATAAAGATATTTACCAGGTTCTGATGACTGAGGCAGAAGGTGAAGCAGGCGGCCATCAGC[A>G]GCCCAAGCAGCATGCCCAGAGGAGCCATCCTAGATGAAGGCAGGCTCTGGGGAGCCATAG-3'
Protein context (NP_071909.1, residues 10-30): RMAPLGMLLG[Leu20Pro]LMAACFTFCL